The following is an entry in ClinVar:

ClinVar aggregate classification (germline): Uncertain significance. Review status: criteria provided, multiple submitters, no conflicts (2 of 4 stars). 2 submissions from 2 submitters: Uncertain significance (2). Last evaluated 2022-09-22.

Conditions:
Hereditary cancer-predisposing syndrome. Also called: Neoplastic Syndromes, Hereditary; Hereditary neoplastic syndrome; Tumor predisposition; Hereditary Cancer Syndrome. Identifiers: Orphanet 140162, MedGen C0027672, MeSH D009386, MONDO:0015356.
Rhabdoid tumor predisposition syndrome 2 (RTPS2). Identifiers: Orphanet 231108, Orphanet 69077, MedGen C2750074, MONDO:0013224, OMIM 613325.

Submissions (2):

Ambry Genetics
Classification: Uncertain significance for Hereditary cancer-predisposing syndrome. Last evaluated: 2022-09-22. Review status: criteria provided, single submitter. Criteria: Ambry Variant Classification Scheme 2023. Collection method: clinical testing. Allele origin: germline.
Comment: The p.E1435K variant (also known as c.4303G>A), located in coding exon 30 of the SMARCA4 gene, results from a G to A substitution at nucleotide position 4303. The glutamic acid at codon 1435 is replaced by lysine, an amino acid with similar properties. Missense and in-frame variants in SMARCA4 are known to cause neurodevelopmental disorders; however, such associations with rhabdoid tumor predisposition syndrome including small cell carcinoma of the ovary-hypercalcemic type (SCCOHT) are exceedingly rare (Kosho T et al. Am J Med Genet C Semin Med Genet. 2014 Sep;166C(3):262-75; Jelinic P et al. Nat Genet. 2014 May;46(5):424-6). This amino acid position is highly conserved in available vertebrate species. In addition, the in silico prediction for this alteration is inconclusive. Based on the supporting evidence, the association of this alteration with Coffin-Siris syndrome is unknown; however, the association of this alteration with rhabdoid tumor predisposition syndrome is unlikely.

Labcorp Genetics (formerly Invitae), Labcorp
Classification: Uncertain significance for Rhabdoid tumor predisposition syndrome 2. Last evaluated: 2015-12-07. Review status: criteria provided, single submitter. Criteria: Invitae Variant Classification Sherloc (09022015). Collection method: clinical testing. Allele origin: germline.
Comment: This sequence change replaces glutamic acid with lysine at codon 1435 of the SMARCA4 protein (p.Glu1435Lys). The glutamic acid residue is highly conserved and there is a small physicochemical difference between glutamic acid and lysine. This variant is not present in population databases (ExAC no frequency) and has not been reported in the literature in individuals with a SMARCA4-related disease. Algorithms developed to predict the effect of missense changes on protein structure and function do not agree on the potential impact of this missense change (SIFT: "Deleterious"; PolyPhen-2: "Benign"; Align-GVGD: "Class C55"). In summary, this is a novel missense change with uncertain impact on protein function. It has been classified as a Variant of Uncertain Significance.

NM_003072.5(SMARCA4):c.4207G>A (p.Glu1403Lys)

Gene: SMARCA4 (SWI/SNF related BAF chromatin remodeling complex subunit ATPase 4; plus strand). Cytogenetic location: 19p13.2.
Variant type: single nucleotide variant.
Coding change: c.4207G>A on transcript NM_003072.5 (MANE Select); coding-DNA position 4207, G replaced by A.
Protein change: p.Glu1403Lys; replaces glutamic acid 1403 with lysine.
Molecular consequence: missense variant. On other transcripts: non-coding transcript variant (1).
Genome position (GRCh38, 1-based): chr19:11,041,343, G>A. VCF-style: chr19-11041343-G-A. GRCh37 (hg19) VCF-style: chr19-11152019-G-A.
Other names: c.4207G>A, p.Glu1403Lys (NM_001128844.3); c.4117G>A, p.Glu1373Lys (NM_001128845.2, NM_001128846.2); c.4108G>A, p.Glu1370Lys (NM_001128847.4, NM_001128848.2, NM_001374457.1); c.4303G>A, p.Glu1435Lys (NM_001128849.3, NM_001387283.1); short protein forms E1435K, E1370K, E1403K, E1373K.
Identifiers: ClinVar variation 238461 (VCV000238461.11), dbSNP rs878854223, ClinGen allele CA10583753.